The following is an entry in ClinVar:

NM_005006.7(NDUFS1):c.1830G>A (p.Val610=)

Gene: NDUFS1 (NADH:ubiquinone oxidoreductase core subunit S1; minus strand). Cytogenetic location: 2q33.3.
Variant type: single nucleotide variant.
Coding change: c.1830G>A on transcript NM_005006.7 (MANE Select); coding-DNA position 1830, G replaced by A.
Protein change: p.Val610=; no amino-acid change (valine 610 retained).
Molecular consequence: synonymous variant.
Genome position (GRCh38, 1-based): chr2:206,127,851, C>T on the plus strand (G>A on the coding strand, the complement: NDUFS1 is on the minus strand). VCF-style: chr2-206127851-C-T. GRCh37 (hg19) VCF-style: chr2-206992575-C-T.
Other names: c.1722G>A, p.Val574= (NM_001199981.2); c.1497G>A, p.Val499= (NM_001199982.2); c.1659G>A, p.Val553= (NM_001199983.2); c.1872G>A, p.Val624= (NM_001199984.2).
Identifiers: ClinVar variation 2651835 (VCV002651835.24), dbSNP rs2470000638, ClinGen allele CA430943036.
Genomic context (GRCh38, chr2:206,127,851, plus strand): 5'-TTATACCTCAGAGAGTGCTCTTATAATTTTCCAGTCTTCTCTTGCCAAGCCAGGAGGTGT[C>T]ACTGCTACCTTAGTCTGCTGAGCTCTACCCTCAGTGTTGACATATGTAGCAGACTTCTCT-3'
Protein context (NP_004997.4, residues 600-620): EGRAQQTKVA[Val610=]TPPGLAREDW

ClinVar aggregate classification (germline): Likely benign (1 of 4 stars; one submission).

Submission:

CeGaT Center for Human Genetics Tuebingen
Classification: Likely benign. Last evaluated: 2023-05-01. Review status: criteria provided, single submitter. Criteria: CeGaT Center For Human Genetics Tuebingen Variant Classification Criteria Version 2. Collection method: clinical testing. Allele origin: germline. Affected: yes. Observed: 1 variant allele.
Comment: NDUFS1: PM2:Supporting, BP4, BP7